The following is an entry in ClinVar:

ClinVar aggregate classification (germline): Uncertain significance. Review status: criteria provided, multiple submitters, no conflicts (2 of 4 stars). 2 submissions from 2 submitters: Uncertain significance (2). Last evaluated 2025-10-22.

Conditions:
Inborn genetic diseases. Identifiers: MedGen C0950123, MeSH D030342.

Submissions (2):

Ambry Genetics
Classification: Uncertain significance for Inborn genetic diseases. Last evaluated: 2025-10-22. Review status: criteria provided, single submitter. Criteria: Ambry Variant Classification Scheme 2023. Collection method: clinical testing. Allele origin: germline.

Labcorp Genetics (formerly Invitae), Labcorp
Classification: Uncertain significance. Last evaluated: 2025-05-19. Review status: criteria provided, single submitter. Criteria: Invitae Variant Classification Sherloc (09022015). Collection method: clinical testing. Allele origin: germline.
Comment: This sequence change replaces valine, which is neutral and non-polar, with phenylalanine, which is neutral and non-polar, at codon 680 of the ACAN protein (p.Val680Phe). The frequency data for this variant in the population databases is considered unreliable, as metrics indicate poor data quality at this position in the gnomAD database. This variant has not been reported in the literature in individuals affected with ACAN-related conditions. Invitae Evidence Modeling of protein sequence and biophysical properties (such as structural, functional, and spatial information, amino acid conservation, physicochemical variation, residue mobility, and thermodynamic stability) indicates that this missense variant is not expected to disrupt ACAN protein function with a negative predictive value of 80%. Algorithms developed to predict the effect of sequence changes on RNA splicing suggest that this variant may create or strengthen a splice site. In summary, the available evidence is currently insufficient to determine the role of this variant in disease. Therefore, it has been classified as a Variant of Uncertain Significance.

NM_001369268.1(ACAN):c.2038G>T (p.Val680Phe)

Gene: ACAN (aggrecan; plus strand). Cytogenetic location: 15q26.1.
Variant type: single nucleotide variant.
Coding change: c.2038G>T on transcript NM_001369268.1 (MANE Select); coding-DNA position 2038, G replaced by T.
Protein change: p.Val680Phe; replaces valine 680 with phenylalanine.
Molecular consequence: missense variant.
Genome position (GRCh38, 1-based): chr15:88,851,805, G>T. VCF-style: chr15-88851805-G-T. GRCh37 (hg19) VCF-style: chr15-89395036-G-T.
Other names: c.2038G>T, p.Val680Phe (NM_001135.4, NM_001411096.1, NM_001411097.1 and 1 more transcripts); short protein forms V680F.
Identifiers: ClinVar variation 4565351 (VCV004565351.2).
Genomic context (GRCh38, chr15:88,851,805, plus strand): 5'-GGTCACTGGTAAGAGAGGGACTCACTCTGACCACCCACATCTCCTTTAGGCATTTCAGCG[G>T]TTCCTTCTCCAGGAGAAGAAGAGGGTGGCACACCCACATCACCCTCTGGTGTGGAGGAGT-3'
Protein context (NP_001356197.1, residues 670-690): HAFCFRGISA[Val680Phe]PSPGEEEGGT